The following is an entry in ClinVar:

NM_000256.3(MYBPC3):c.1168del (p.His390fs)

Gene: MYBPC3 (myosin binding protein C3; minus strand). Cytogenetic location: 11p11.2.
Variant type: Deletion.
Coding change: c.1168del on transcript NM_000256.3 (MANE Select); coding-DNA position 1168, one base deleted (C; older notation c.1168delC).
Protein change: p.His390fs; shifts the reading frame from histidine 390.
Molecular consequence: frameshift variant.
Genome position (GRCh38, 1-based): chr11:47,343,547, G deleted on the plus strand (C on the coding strand, the reverse complement: MYBPC3 is on the minus strand); the first of 2 consecutive G bases (chr11:47,343,547-47,343,548); deleting either gives the same sequence. VCF-style (leftmost placement, unchanged base first): chr11-47343546-TG-T. GRCh37 (hg19) VCF-style: chr11-47365097-TG-T.
Other names: c.1168del, p.His390fs (LRG_386t1); c.1168delC (NM_000256.3); short protein forms H390fs.
Identifiers: ClinVar variation 42508 (VCV000042508.13), dbSNP rs397515889, ClinGen allele CA009831.

ClinVar aggregate classification (germline): Pathogenic/Likely pathogenic. Review status: criteria provided, multiple submitters, no conflicts (2 of 4 stars). 6 submissions from 6 submitters: Pathogenic (5); Likely pathogenic (1). Last evaluated 2024-12-06.

Conditions:
Primary familial hypertrophic cardiomyopathy (HCM). Identifiers: Orphanet 99739, MedGen C0949658, MeSH D024741, MONDO:0024573. Inheritance: Various modes of inheritance.
Hypertrophic cardiomyopathy 4. Also called: Familial hypertrophic cardiomyopathy 4. Identifiers: MedGen C1861862, MONDO:0007268, OMIM 115197.
Hypertrophic cardiomyopathy. Also called: HYPERTROPHIC MYOCARDIOPATHY. Identifiers: Orphanet 217569, MedGen C0007194, MeSH D002312, MONDO:0005045, HP:0001639.

Submissions (6):

Molecular Genetics, Royal Melbourne Hospital
Classification: Pathogenic for Hypertrophic cardiomyopathy. Last evaluated: 2024-12-06. Review status: criteria provided, single submitter. Criteria: ACMG Guidelines, 2015. Collection method: clinical testing. Allele origin: germline. Inheritance: Autosomal dominant inheritance. Affected: yes.
Comment: This sequence change in MYBPC3 is a frameshift variant predicted to create a premature stop codon, p.(His390Metfs*16), in biologically relevant exon 13/35 leading to nonsense-mediated decay in a gene in which loss-of-function is an established disease mechanism (PMID: 7493026, 9048664, 9562578, 17823372, 19574547, 18337725). Loss-of-function variants are a well-established cause of disease in exon 13 (ClinVar). This variant is absent from the population database gnomAD v4.1. This variant has been reported in at least two probands with hypertrophic cardiomyopathy (PMID: 26914223). Based on the classification scheme RMH Modified ACMG/AMP Guidelines v1.7.0, this variant is classified as PATHOGENIC. Following criteria are met: PVS1, PM2_Supporting, PM5_Supporting, PS4_Supporting

Labcorp Genetics (formerly Invitae), Labcorp
Classification: Pathogenic for Hypertrophic cardiomyopathy. Last evaluated: 2024-09-02. Review status: criteria provided, single submitter. Criteria: Invitae Variant Classification Sherloc (09022015). Collection method: clinical testing. Allele origin: germline.
Comment: This sequence change creates a premature translational stop signal (p.His390Metfs*16) in the MYBPC3 gene. It is expected to result in an absent or disrupted protein product. Loss-of-function variants in MYBPC3 are known to be pathogenic (PMID: 19574547). This variant is not present in population databases (gnomAD no frequency). This premature translational stop signal has been observed in individual(s) with hypertrophic cardiomyopathy (PMID: 15519027, 26914223). ClinVar contains an entry for this variant (Variation ID: 42508). For these reasons, this variant has been classified as Pathogenic.

GeneDx
Classification: Pathogenic. Last evaluated: 2023-09-26. Review status: criteria provided, single submitter. Criteria: GeneDx Variant Classification Process June 2021. Collection method: clinical testing. Allele origin: germline. Affected: yes.
Comment: Frameshift variant predicted to result in protein truncation or nonsense mediated decay in a gene for which loss of function is a known mechanism of disease; Not observed at significant frequency in large population cohorts (gnomAD); This variant is associated with the following publications: (PMID: 26914223, 27532257, 11499719, 31006259, 34400558, 15519027)

Human Genome Sequencing Center Clinical Lab, Baylor College of Medicine
Classification: Likely pathogenic for Familial hypertrophic cardiomyopathy 4. Last evaluated: 2019-10-30. Review status: criteria provided, single submitter. Criteria: ACMG Guidelines, 2015. Collection method: clinical testing. Allele origin: germline.
Comment: The c.1168delC (p.His390Metfs*16) variant in the MYBPC3 gene is predicted to result in a frameshift at codon 390, deleting the C-terminal 884 amino residues of the protein, likely causing loss or defect in protein function, which are known mechanisms for disease (PMID: 19574547). This variant has been reported in multiple individuals affected with hypertrophic cardiomyopathy (HCM) (PMID: 11499719, 26914223) and is absent from general population databases. Therefore, this c.1168delC (p.His390Metfs*16) variant in the MYBPC3 gene is classified as likely pathogenic.

Women's Health and Genetics/Laboratory Corporation of America, LabCorp
Classification: Pathogenic for Primary familial hypertrophic cardiomyopathy. Last evaluated: 2018-04-30. Review status: criteria provided, single submitter. Criteria: LabCorp Variant Classification Summary - May 2015. Collection method: clinical testing. Allele origin: germline.
Comment: Variant summary: MYBPC3 c.1168delC (p.His390MetfsX16) results in a premature termination codon, predicted to cause a truncation of the encoded protein or absence of the protein due to nonsense mediated decay, which are commonly known mechanisms for disease. Truncations downstream of this position have been classified as pathogenic by our laboratory (e.g., p.Phe412X and p.Pro453fsX21). The variant was absent in 242438 control chromosomes. c.1168delC has been reported in the literature in individuals affected with Hypertrophic Cardiomyopathy. These data indicate that the variant is likely to be associated with disease. To our knowledge, no experimental evidence demonstrating an impact on protein function has been reported. No clinical diagnostic laboratories have submitted clinical-significance assessments for this variant to ClinVar after 2014. Based on the evidence outlined above, the variant was classified as pathogenic.

Laboratory for Molecular Medicine, Mass General Brigham Personalized Medicine
Classification: Pathogenic for Hypertrophic cardiomyopathy. Last evaluated: 2010-04-29. Review status: criteria provided, single submitter. Criteria: LMM Criteria. Collection method: clinical testing. Allele origin: germline. Observed: 1 variant allele.

Literature cited by the submitters: PubMed 7493026 (cited by Molecular Genetics, Royal Melbourne Hospital); PubMed 9048664 (cited by Molecular Genetics, Royal Melbourne Hospital); PubMed 9562578 (cited by Molecular Genetics, Royal Melbourne Hospital); PubMed 17823372 (cited by Molecular Genetics, Royal Melbourne Hospital); PubMed 18337725 (cited by Molecular Genetics, Royal Melbourne Hospital); PubMed 19574547 (cited by Molecular Genetics, Royal Melbourne Hospital and Labcorp Genetics (formerly Invitae), Labcorp); PubMed 26914223 (cited by 3 submitters); PubMed 15519027 (cited by Labcorp Genetics (formerly Invitae), Labcorp and Women's Health and Genetics/Laboratory Corporation of America, LabCorp); PubMed 15166115 (cited by Women's Health and Genetics/Laboratory Corporation of America, LabCorp); PubMed 27532257 (cited by Women's Health and Genetics/Laboratory Corporation of America, LabCorp); PubMed 12974739 (cited by Women's Health and Genetics/Laboratory Corporation of America, LabCorp); PubMed 11499719 (cited by Women's Health and Genetics/Laboratory Corporation of America, LabCorp and Laboratory for Molecular Medicine, Mass General Brigham Personalized Medicine).